The following is an entry in ClinVar:

ClinVar aggregate classification (germline): Uncertain significance (1 of 4 stars; one submission).

Conditions:
Epilepsy, familial focal, with variable foci 3 (FFEVF3). Identifiers: MedGen C4310708, MONDO:0014925, OMIM 617118.

gnomAD v4.1: 1 of 1,613,728 alleles (0.000062%); highest among the groups gnomAD compares: Admixed American, 0.0017%; no homozygotes.

Submission:

Labcorp Genetics (formerly Invitae), Labcorp
Classification: Uncertain significance for Epilepsy, familial focal, with variable foci 3. Last evaluated: 2025-07-18. Review status: criteria provided, single submitter. Criteria: Invitae Variant Classification Sherloc (09022015). Collection method: clinical testing. Allele origin: germline.
Comment: This sequence change replaces methionine, which is neutral and non-polar, with isoleucine, which is neutral and non-polar, at codon 482 of the NPRL3 protein (p.Met482Ile). The frequency data for this variant in the population databases is considered unreliable, as metrics indicate poor data quality at this position in the gnomAD database. This variant has not been reported in the literature in individuals affected with NPRL3-related conditions. ClinVar contains an entry for this variant (Variation ID: 3622817). Invitae Evidence Modeling of protein sequence and biophysical properties (such as structural, functional, and spatial information, amino acid conservation, physicochemical variation, residue mobility, and thermodynamic stability) indicates that this missense variant is not expected to disrupt NPRL3 protein function with a negative predictive value of 80%. In summary, the available evidence is currently insufficient to determine the role of this variant in disease. Therefore, it has been classified as a Variant of Uncertain Significance.

NM_001077350.3(NPRL3):c.1446G>A (p.Met482Ile)

Genes: HBA-LCR (alpha-globin locus control region; plus strand), NPRL3 (NPR3 like, GATOR1 complex subunit; minus strand). Cytogenetic location: 16p13.3.
Variant type: single nucleotide variant.
Coding change: c.1446G>A on transcript NM_001077350.3 (MANE Select); coding-DNA position 1446, G replaced by A.
Protein change: p.Met482Ile; replaces methionine 482 with isoleucine.
Molecular consequence: missense variant.
Genome position (GRCh38, 1-based): chr16:88,796, C>T on the plus strand (G>A on the coding strand, the complement: NPRL3 is on the minus strand). VCF-style: chr16-88796-C-T. GRCh37 (hg19) VCF-style: chr16-138794-C-T.
Other names: c.909G>A, p.Met303Ile (NM_001039476.3); c.1212G>A, p.Met404Ile (NM_001243247.2); c.1371G>A, p.Met457Ile (NM_001243248.2, NM_001243249.2); short protein forms M303I, M404I, M457I, M482I.
Identifiers: ClinVar variation 3622817 (VCV003622817.2).